The following is an entry in ClinVar:

NM_017654.4(SAMD9):c.890G>T (p.Ser297Ile)

Gene: SAMD9 (sterile alpha motif domain containing 9; minus strand). Cytogenetic location: 7q21.2.
Variant type: single nucleotide variant.
Coding change: c.890G>T on transcript NM_017654.4 (MANE Select); coding-DNA position 890, G replaced by T.
Protein change: p.Ser297Ile; replaces serine 297 with isoleucine.
Molecular consequence: missense variant.
Genome position (GRCh38, 1-based): chr7:93,105,208, C>A on the plus strand (G>T on the coding strand, the complement: SAMD9 is on the minus strand). VCF-style: chr7-93105208-C-A. GRCh37 (hg19) VCF-style: chr7-92734521-C-A.
Other names: c.890G>T, p.Ser297Ile (NM_001193307.2); short protein forms S297I.
Identifiers: ClinVar variation 5028822 (VCV005028822.1).

ClinVar aggregate classification (germline): Uncertain significance (1 of 4 stars; one submission).

Conditions:
Inborn genetic diseases. Identifiers: MedGen C0950123, MeSH D030342.

Submission:

Ambry Genetics
Classification: Uncertain significance for Inborn genetic diseases. Last evaluated: 2026-09-06. Review status: criteria provided, single submitter. Criteria: Ambry Variant Classification Scheme 2023. Collection method: clinical testing. Allele origin: germline.
Comment: The p.S297I variant (also known as c.890G>T), located in coding exon 1 of the SAMD9 gene, results from a G to T substitution at nucleotide position 890. The serine at codon 297 is replaced by isoleucine, an amino acid with dissimilar properties. This amino acid position is conserved. In addition, this alteration is predicted to be tolerated by in silico analysis. Based on the available evidence, the clinical significance of this variant remains unclear.